The following is an entry in ClinVar:

NM_020207.7(ERCC6L2):c.182A>G (p.Glu61Gly)

Gene: ERCC6L2 (ERCC excision repair 6 like 2; plus strand). Cytogenetic location: 9q22.32.
Variant type: single nucleotide variant.
Coding change: c.182A>G on transcript NM_020207.7 (MANE Select); coding-DNA position 182, A replaced by G.
Protein change: p.Glu61Gly; replaces glutamic acid 61 with glycine.
Molecular consequence: missense variant. On other transcripts: non-coding transcript variant (1).
Genome position (GRCh38, 1-based): chr9:95,881,004, A>G. VCF-style: chr9-95881004-A-G. GRCh37 (hg19) VCF-style: chr9-98643286-A-G.
Other names: c.182A>G, p.Glu61Gly (NM_001010895.4, NM_001375291.1, NM_001375292.1 and 2 more transcripts); short protein forms E61G.
Identifiers: ClinVar variation 4019247 (VCV004019247.1).

ClinVar aggregate classification (germline): Uncertain significance (1 of 4 stars; one submission).

Conditions:
Inborn genetic diseases. Identifiers: MedGen C0950123, MeSH D030342.

Submission:

Ambry Genetics
Classification: Uncertain significance for Inborn genetic diseases. Last evaluated: 2025-03-18. Review status: criteria provided, single submitter. Criteria: Ambry Variant Classification Scheme 2023. Collection method: clinical testing. Allele origin: germline.
Comment: The p.E61G variant (also known as c.182A>G), located in coding exon 2 of the ERCC6L2 gene, results from an A to G substitution at nucleotide position 182. The glutamic acid at codon 61 is replaced by glycine, an amino acid with similar properties. This amino acid position is conserved. In addition, the in silico prediction for this alteration is inconclusive. Based on the available evidence, the clinical significance of this variant remains unclear.